The following is an entry in ClinVar:

NM_019892.6(INPP5E):c.281G>C (p.Arg94Thr)

Gene: INPP5E (inositol polyphosphate-5-phosphatase E; minus strand). Cytogenetic location: 9q34.3.
Variant type: single nucleotide variant.
Coding change: c.281G>C on transcript NM_019892.6 (MANE Select); coding-DNA position 281, G replaced by C.
Protein change: p.Arg94Thr; replaces arginine 94 with threonine.
Molecular consequence: missense variant.
Genome position (GRCh38, 1-based): chr9:136,439,139, C>G on the plus strand (G>C on the coding strand, the complement: INPP5E is on the minus strand). VCF-style: chr9-136439139-C-G. GRCh37 (hg19) VCF-style: chr9-139333591-C-G.
Other names: c.281G>C, p.Arg94Thr (NM_001318502.2); short protein forms R94T.
Identifiers: ClinVar variation 2010607 (VCV002010607.4), dbSNP rs1485569904, ClinGen allele CA375570078.

ClinVar aggregate classification (germline): Uncertain significance (1 of 4 stars; one submission).

Conditions:
Joubert syndrome. Also called: CEREBELLOPARENCHYMAL DISORDER IV; JOUBERT-BOLTSHAUSER SYNDROME; Familial aplasia of the vermis. Identifiers: Orphanet 475, MedGen C5979921, MONDO:0018772.

Allele frequency attached by ClinVar (database versions not stated): gnomAD 0.00002; TOPMed 0.00002.

Submission:

Labcorp Genetics (formerly Invitae), Labcorp
Classification: Uncertain significance for Joubert syndrome. Last evaluated: 2022-06-25. Review status: criteria provided, single submitter. Criteria: Invitae Variant Classification Sherloc (09022015). Collection method: clinical testing. Allele origin: germline.
Comment: This sequence change replaces arginine, which is basic and polar, with threonine, which is neutral and polar, at codon 94 of the INPP5E protein (p.Arg94Thr). This variant is not present in population databases (gnomAD no frequency). This variant has not been reported in the literature in individuals affected with INPP5E-related conditions. Advanced modeling of protein sequence and biophysical properties (such as structural, functional, and spatial information, amino acid conservation, physicochemical variation, residue mobility, and thermodynamic stability) performed at Invitae indicates that this missense variant is expected to disrupt INPP5E protein function. In summary, the available evidence is currently insufficient to determine the role of this variant in disease. Therefore, it has been classified as a Variant of Uncertain Significance.